The following is an entry in ClinVar:

NM_001243177.4(ALDOA):c.142-7T>A

Genes: ALDOA (aldolase, fructose-bisphosphate A; plus strand), LOC112694756 (uncharaterized LOC112694756; plus strand). Cytogenetic location: 16p11.2.
Variant type: single nucleotide variant.
Coding change: c.142-7T>A on transcript NM_001243177.4 (MANE Select); 7 bases into the intron before coding-DNA position 142, T replaced by A.
Molecular consequence: intron variant.
Genome position (GRCh38, 1-based): chr16:30,067,227, T>A. VCF-style: chr16-30067227-T-A. GRCh37 (hg19) VCF-style: chr16-30078548-T-A.
Other names: c.*489-7T>A (NM_001365307.2, NM_001365305.2, NM_001365304.2); c.-21-7T>A (NM_184043.2, NM_001127617.2, NM_184041.5).
Identifiers: ClinVar variation 4987553 (VCV004987553.1).

ClinVar aggregate classification (germline): Likely benign (1 of 4 stars; one submission).

Conditions:
ALDOA-related disorder. Also called: ALDOA-related condition.

gnomAD v4.1: 84 of 1,612,002 alleles (0.0052%); highest among the groups gnomAD compares: Non-Finnish European, 0.0069%; no homozygotes.

Submission:

PreventionGenetics, part of Exact Sciences
Classification: Likely benign for ALDOA-related condition. Last evaluated: 2025-03-25. Review status: criteria provided, single submitter. Criteria: ACMG Guidelines, 2015. Collection method: clinical testing. Allele origin: germline.
Comment: This variant is classified as likely benign based on ACMG/AMP sequence variant interpretation guidelines (Richards et al. 2015 PMID: 25741868, with internal and published modifications).